The following is an entry in ClinVar:

ClinVar aggregate classification (germline): Uncertain significance (1 of 4 stars; one submission).

Conditions:
Pyruvate carboxylase deficiency. Also called: LEIGH NECROTIZING ENCEPHALOPATHY DUE TO PYRUVATE CARBOXYLASE DEFICIENCY; LEIGH SYNDROME DUE TO PYRUVATE CARBOXYLASE DEFICIENCY; PC DEFICIENCY; Pyruvate Carboxylase Deficiency Disease; ATAXIA WITH LACTIC ACIDOSIS II. Identifiers: Orphanet 3008, MedGen C0034341, MONDO:0009949, OMIM 266150.

Allele frequency attached by ClinVar (database versions not stated): ExAC 0.00001; gnomAD exomes 0.00003.
gnomAD v4.1: 8 of 1,614,178 alleles (0.0005%); highest among the groups gnomAD compares: Admixed American, 0.0083%; no homozygotes.

Submission:

Labcorp Genetics (formerly Invitae), Labcorp
Classification: Uncertain significance for Pyruvate carboxylase deficiency. Last evaluated: 2022-11-29. Review status: criteria provided, single submitter. Criteria: Invitae Variant Classification Sherloc (09022015). Collection method: clinical testing. Allele origin: germline.
Comment: This variant is present in population databases (rs747786536, gnomAD 0.01%). This sequence change replaces aspartic acid, which is acidic and polar, with asparagine, which is neutral and polar, at codon 1022 of the PC protein (p.Asp1022Asn). This variant has not been reported in the literature in individuals affected with PC-related conditions. In summary, the available evidence is currently insufficient to determine the role of this variant in disease. Therefore, it has been classified as a Variant of Uncertain Significance. Advanced modeling of protein sequence and biophysical properties (such as structural, functional, and spatial information, amino acid conservation, physicochemical variation, residue mobility, and thermodynamic stability) performed at Invitae indicates that this missense variant is not expected to disrupt PC protein function. ClinVar contains an entry for this variant (Variation ID: 1415272).

NM_001040716.2(PC):c.3064G>A (p.Asp1022Asn)

Gene: PC (pyruvate carboxylase; minus strand). Cytogenetic location: 11q13.2.
Variant type: single nucleotide variant.
Coding change: c.3064G>A on transcript NM_001040716.2 (MANE Select); coding-DNA position 3064, G replaced by A.
Protein change: p.Asp1022Asn; replaces aspartic acid 1022 with asparagine.
Molecular consequence: missense variant.
Genome position (GRCh38, 1-based): chr11:66,849,694, C>T on the plus strand (G>A on the coding strand, the complement: PC is on the minus strand). VCF-style: chr11-66849694-C-T. GRCh37 (hg19) VCF-style: chr11-66617165-C-T.
Other names: c.3064G>A, p.Asp1022Asn (NM_000920.4, NM_022172.3); short protein forms D1022N.
Identifiers: ClinVar variation 1415272 (VCV001415272.8), dbSNP rs747786536, ClinGen allele CA6130911.